The following is an entry in ClinVar:

ClinVar aggregate classification (germline): Conflicting classifications of pathogenicity. Review status: criteria provided, conflicting classifications (1 of 4 stars). 7 submissions from 6 submitters: Uncertain significance (4); Benign (1); Likely benign (1). 1 of the submissions does not count toward it. Last evaluated 2026-01-26.

Conditions:
Cardiovascular phenotype. Identifiers: MedGen CN230736.
Hereditary cancer-predisposing syndrome. Also called: Hereditary Cancer Syndrome; Neoplastic Syndromes, Hereditary; Tumor predisposition; Hereditary neoplastic syndrome. Identifiers: Orphanet 140162, MedGen C0027672, MeSH D009386, MONDO:0015356.
Neurofibromatosis, type 1 (NF1). Also called: Neurofibromatosis, type I; VON RECKLINGHAUSEN DISEASE; NEUROFIBROMATOSIS, TYPE I, SOMATIC; Peripheral type neurofibromatosis. Identifiers: Orphanet 636, MedGen C0027831, MONDO:0018975, OMIM 162200. Disease mechanism: loss of function.

Allele frequency attached by ClinVar (database versions not stated): TOPMed below 0.00001; gnomAD 0.00001; gnomAD exomes 0.00001 and 0.00002; ExAC 0.00002.
gnomAD v4.1: 22 of 1,613,774 alleles (0.0014%); highest among the groups gnomAD compares: Middle Eastern, 0.016%; no homozygotes.

Submissions (7):

Labcorp Genetics (formerly Invitae), Labcorp
Classification: Benign for Neurofibromatosis, type 1. Last evaluated: 2026-01-26. Review status: criteria provided, single submitter. Criteria: Invitae Variant Classification Sherloc (09022015). Collection method: clinical testing. Allele origin: germline.

GeneDx
Classification: Uncertain significance. Last evaluated: 2023-05-31. Review status: criteria provided, single submitter. Criteria: GeneDx Variant Classification Process June 2021. Collection method: clinical testing. Allele origin: germline. Affected: yes.
Comment: In silico analysis supports that this missense variant does not alter protein structure/function; Has not been previously published as pathogenic or benign to our knowledge; This variant is associated with the following publications: (PMID: 29569031, 23656349, 25486365)

Ambry Genetics
Classification: Likely benign for Cardiovascular phenotype; Hereditary cancer-predisposing syndrome. Last evaluated: 2022-12-05. Review status: criteria provided, single submitter. Criteria: Ambry Variant Classification Scheme 2023. Collection method: clinical testing. Allele origin: germline.

Genome-Nilou Lab
Classification: Uncertain significance for Neurofibromatosis, type 1. Last evaluated: 2022-03-15. Review status: criteria provided, single submitter. Criteria: ACMG Guidelines, 2015. Collection method: clinical testing. Allele origin: germline. Affected: no.

Genome Diagnostics Laboratory, The Hospital for Sick Children
Classification: Uncertain significance for Neurofibromatosis, type 1. Last evaluated: 2020-10-26. Review status: criteria provided, single submitter. Criteria: ACMG Guidelines, 2015. Collection method: clinical testing. Allele origin: germline. Affected: yes.

Ambry Genetics
Classification: Uncertain significance for Hereditary cancer-predisposing syndrome. Last evaluated: 2015-11-06. Review status: criteria provided, single submitter. Criteria: Ambry Autosomal Dominant and X-Linked criteria (10/2015). Collection method: clinical testing. Allele origin: germline. Observed: 1 variant allele.
Comment: The p.S641G variant (also known as c.1921A>G), located in coding exon 17 of the NF1 gene, results from an A to G substitution at nucleotide position 1921. The serine at codon 641 is replaced by glycine, an amino acid with similar properties. This variant was not reported in population based cohorts in the following databases: Database of Single Nucleotide Polymorphisms (dbSNP), NHLBI Exome Sequencing Project (ESP), and 1000 Genomes Project. In the ESP, this variant was not observed in 6503 samples (13006 alleles) with coverage at this position. To date, this alteration has been detected with an allele frequency of approximately 0.003% (greater than 110000 alleles tested) in our clinical cohort. This amino acid position is not well conserved in available vertebrate species. In addition, this alteration is predicted to be tolerated by in silico analysis. Since supporting evidence is limited at this time, the clinical significance of p.S641G remains unclear.

Zotz-Klimas Genetics Lab, MVZ Zotz Klimas
Classification: Uncertain significance for Neurofibromatosis, type 1. Last evaluated: 2023-10-09. Review status: no assertion criteria provided. Collection method: clinical testing. Allele origin: germline. Affected: yes. Not counted in ClinVar's aggregate classification.

Literature cited by the submitters: PubMed 23656349 (cited by Ambry Genetics).

NM_001042492.3(NF1):c.1921A>G (p.Ser641Gly)

Gene: NF1 (neurofibromin 1; plus strand). Cytogenetic location: 17q11.2.
Variant type: single nucleotide variant.
Coding change: c.1921A>G on transcript NM_001042492.3 (MANE Select); coding-DNA position 1921, A replaced by G.
Protein change: p.Ser641Gly; replaces serine 641 with glycine.
Molecular consequence: missense variant.
Genome position (GRCh38, 1-based): chr17:31,225,170, A>G. VCF-style: chr17-31225170-A-G. GRCh37 (hg19) VCF-style: chr17-29552188-A-G.
Other names: c.1921A>G, p.Ser641Gly (NM_000267.4); short protein forms S641G.
Identifiers: ClinVar variation 231483 (VCV000231483.18), dbSNP rs769154907, ClinGen allele CA8485883.
Genomic context (GRCh38, chr17:31,225,170, plus strand): 5'-TCCTGTCACTTTCTCCTTTTTTACGGGGTAGGATGTGATATTCCTTCTAGTGGAAATACC[A>G]GTCAAATGTCCATGGATCATGAAGAATTACTACGTACTCCTGGAGCCTCTCTCCGGAAGG-3'
Protein context (NP_001035957.1, residues 631-651): GCDIPSSGNT[Ser641Gly]QMSMDHEELL